The following is an entry in ClinVar:

NC_000023.10:g.(?_107898541)_(107911754_?)del

Gene: COL4A5 (collagen type IV alpha 5 chain; plus strand). Cytogenetic location: Xq22.3.
Variant type: Deletion.
Identifiers: ClinVar variation 1455033 (VCV001455033.5).

ClinVar aggregate classification (germline): Pathogenic (1 of 4 stars; one submission).

Submission:

Labcorp Genetics (formerly Invitae), Labcorp
Classification: Pathogenic. Last evaluated: 2022-06-22. Review status: criteria provided, single submitter. Criteria: Invitae Variant Classification Sherloc (09022015). Collection method: clinical testing. Allele origin: germline.
Comment: For these reasons, this variant has been classified as Pathogenic. This variant has not been reported in the literature in individuals affected with COL4A5-related conditions. This variant is a gross deletion of the genomic region encompassing exon(s) 37-41 of the COL4A5 gene. This deletion is out-of-frame, and is expected to create a premature termination codon and result in an absent or disrupted protein product. Loss-of-function variants in COL4A5 are known to be pathogenic (PMID: 9195222, 10752524, 14514738, 24854265, 26809805).

Literature cited by the submitters: PubMed 9195222; PubMed 10752524; PubMed 14514738; PubMed 24854265; PubMed 26809805.